The following is an entry in ClinVar:

ClinVar aggregate classification (germline): Uncertain significance. Review status: criteria provided, multiple submitters, no conflicts (2 of 4 stars). 2 submissions from 2 submitters: Uncertain significance (2). Last evaluated 2025-03-27.

Conditions:
CPS1-related disorder. Also called: CPS1-related condition.
Inborn genetic diseases. Identifiers: MedGen C0950123, MeSH D030342.

gnomAD v4.1: 141 of 1,612,032 alleles (0.0087%); highest among the groups gnomAD compares: Non-Finnish European, 0.011%; no homozygotes.

Submissions (2):

PreventionGenetics, part of Exact Sciences
Classification: Uncertain significance for CPS1-related condition. Last evaluated: 2025-03-27. Review status: criteria provided, single submitter. Criteria: ACMG Guidelines, 2015. Collection method: clinical testing. Allele origin: germline.
Comment: The CPS1 c.2512G>C variant is predicted to result in the amino acid substitution p.Asp838His. To our knowledge, this variant has not been reported in the literature. This variant is reported in 0.0070% of alleles in individuals of European (Non-Finnish) descent in gnomAD. At this time, the clinical significance of this variant is uncertain due to the absence of conclusive functional and genetic evidence.

Ambry Genetics
Classification: Uncertain significance for Inborn genetic diseases. Last evaluated: 2023-10-25. Review status: criteria provided, single submitter. Criteria: Ambry Variant Classification Scheme 2023. Collection method: clinical testing. Allele origin: germline.

NM_001875.5(CPS1):c.2512G>C (p.Asp838His)

Gene: CPS1 (carbamoyl-phosphate synthase 1; plus strand). Cytogenetic location: 2q34.
Variant type: single nucleotide variant.
Coding change: c.2512G>C on transcript NM_001875.5 (MANE Select); coding-DNA position 2512, G replaced by C.
Protein change: p.Asp838His; replaces aspartic acid 838 with histidine.
Molecular consequence: missense variant. On other transcripts: non-coding transcript variant (2).
Genome position (GRCh38, 1-based): chr2:210,612,237, G>C. VCF-style: chr2-210612237-G-C. GRCh37 (hg19) VCF-style: chr2-211476961-G-C.
Other names: c.2512G>C, p.Asp838His (NM_001122633.3, NM_001369257.1); c.2545G>C, p.Asp849His (NM_001369256.1); short protein forms D849H, D838H.
Identifiers: ClinVar variation 3076846 (VCV003076846.2), dbSNP rs746628905, ClinGen allele CA64765603.
Genomic context (GRCh38, chr2:210,612,237, plus strand): 5'-CCATCTATAGAAGGTTTCACTCCCCGTCTCCCAATGAACAAAGAATGGCCATCTAATTTA[G>C]ATCTTAGAAAAGAGTTGTCTGAACCAAGCAGCACGCGTATCTATGCCATTGCCAAGGTAA-3'
Protein context (NP_001866.2, residues 828-848): PMNKEWPSNL[Asp838His]LRKELSEPSS